The following is an entry in ClinVar:

ClinVar aggregate classification (germline): Uncertain significance (1 of 4 stars; one submission).

Conditions:
Deficiency of phosphoserine phosphatase (PSPHD). Also called: Phosphoserine phosphatase deficiency; PSPH deficiency. Identifiers: Orphanet 79350, MedGen C1291463, MONDO:0013531, OMIM 614023.

Allele frequency attached by ClinVar (database versions not stated): gnomAD exomes below 0.00001; gnomAD 0.00001; TOPMed 0.00001.
gnomAD v4.1: 4 of 1,613,748 alleles (0.00025%); highest among the groups gnomAD compares: Non-Finnish European, 0.00034%; no homozygotes.

Submission:

Labcorp Genetics (formerly Invitae), Labcorp
Classification: Uncertain significance for Deficiency of phosphoserine phosphatase. Last evaluated: 2025-11-03. Review status: criteria provided, single submitter. Criteria: Invitae Variant Classification Sherloc (09022015). Collection method: clinical testing. Allele origin: germline.
Comment: This sequence change replaces phenylalanine, which is neutral and non-polar, with leucine, which is neutral and non-polar, at codon 106 of the PSPH protein (p.Phe106Leu). This variant is present in population databases (no rsID available, gnomAD 0.0009%). This variant has not been reported in the literature in individuals affected with PSPH-related conditions. ClinVar contains an entry for this variant (Variation ID: 1414019). An algorithm developed to predict the effect of missense changes on protein structure and function (PolyPhen-2) suggests that this variant is likely to be disruptive. In summary, the available evidence is currently insufficient to determine the role of this variant in disease. Therefore, it has been classified as a Variant of Uncertain Significance.

NM_004577.4(PSPH):c.316T>C (p.Phe106Leu)

Gene: PSPH (phosphoserine phosphatase; minus strand). Cytogenetic location: 7p11.2.
Variant type: single nucleotide variant.
Coding change: c.316T>C on transcript NM_004577.4 (MANE Select); coding-DNA position 316, T replaced by C.
Protein change: p.Phe106Leu; replaces phenylalanine 106 with leucine.
Molecular consequence: missense variant.
Genome position (GRCh38, 1-based): chr7:56,017,339, A>G on the plus strand (T>C on the coding strand, the complement: PSPH is on the minus strand). VCF-style: chr7-56017339-A-G. GRCh37 (hg19) VCF-style: chr7-56085032-A-G.
Other names: c.316T>C, p.Phe106Leu (NM_001370503.1, NM_001370504.1, NM_001370505.1 and 17 more transcripts); short protein forms F106L.
Identifiers: ClinVar variation 1414019 (VCV001414019.6), dbSNP rs1295914487, ClinGen allele CA367596120.
Genomic context (GRCh38, chr7:56,017,339, plus strand): 5'-GGATATTGAGCTTTGAAGCAACATGCTCTACAATACTCCTAAAGCCACCAGATATTAGGA[A>G]AACCTGAACATTTCGCTCCTGTAGGCGACTTACCAGCTCCCTGCAAAATAAAATACAAAA-3'
Protein context (NP_004568.2, residues 96-116): SRLQERNVQV[Phe106Leu]LISGGFRSIV